The following is an entry in ClinVar:

NM_007294.4(BRCA1):c.5241A>C (p.Gln1747His)

Gene: BRCA1 (BRCA1 DNA repair associated; minus strand). Cytogenetic location: 17q21.31.
Variant type: single nucleotide variant.
Coding change: c.5241A>C on transcript NM_007294.4 (MANE Select); coding-DNA position 5241, A replaced by C.
Protein change: p.Gln1747His; replaces glutamine 1747 with histidine.
Molecular consequence: missense variant. On other transcripts: non-coding transcript variant (1).
Genome position (GRCh38, 1-based): chr17:43,057,088, T>G on the plus strand (A>C on the coding strand, the complement: BRCA1 is on the minus strand). VCF-style: chr17-43057088-T-G. GRCh37 (hg19) VCF-style: chr17-41209105-T-G.
Other names: c.5238A>C, p.Gln1746His (NM_001407610.1, NM_001407611.1, NM_001407612.1 and 17 more transcripts); c.4977A>C, p.Gln1659His (NM_001407926.1, NM_001407920.1, NM_001407921.1 and 4 more transcripts); c.4974A>C, p.Gln1658His (NM_001407927.1, NM_001407928.1, NM_001407929.1 and 4 more transcripts); c.4971A>C, p.Gln1657His (NM_001407934.1, NM_001407935.1, NM_001407936.1); c.1809A>C, p.Gln603His (NM_001408428.1, NM_001408429.1, NM_001408430.1 and 4 more transcripts); c.1806A>C, p.Gln602His (NM_001408432.1, NM_001408433.1, NM_001408434.1 and 10 more transcripts); c.5097A>C, p.Gln1699His (NM_001407945.1, NM_001407734.1, NM_001407735.1 and 21 more transcripts); c.4908A>C, p.Gln1636His (NM_001407946.1, NM_001407947.1, NM_001407948.1 and 1 more transcripts); and 72 more; short protein forms Q1747H, Q1768H, Q1700H, Q643H, Q1578H, Q1657H, Q1675H, Q1677H.
Identifiers: ClinVar variation 55474 (VCV000055474.4), dbSNP rs397509242, ClinGen allele CA003380.

ClinVar aggregate classification (germline): not provided (0 of 4 stars; one submission).

Conditions:
Familial cancer of breast. Also called: hereditary breast carcinoma; BREAST CANCER, FAMILIAL; Hereditary breast cancer. Identifiers: Orphanet 227535, MedGen C0346153, MONDO:0016419, OMIM 114480. Disease mechanism: loss of function.

Submissions (2):

Brotman Baty Institute, University of Washington
No classification provided (evidence only). Condition: Breast-ovarian cancer, familial 1. Review status: no classification provided. Collection method: in vitro. Allele origin: not applicable. Functional consequence: functionally_normal. Not counted in ClinVar's aggregate classification.
ClinVar note: "not provided" was previously submitted as the classification for the variant. However, the classification appeared to be based only on an observation of functional data so it was converted to no classification on 2025-07-30.

ClinVar Staff, National Center for Biotechnology Information (NCBI)
No classification provided. Condition: Familial cancer of breast. Review status: no classification provided. Collection method: literature only. Allele origin: germline. Affected: yes.

Literature cited by the submitters: PubMed 12497638 (cited by ClinVar Staff, National Center for Biotechnology Information (NCBI)).